The following is an entry in ClinVar:

ClinVar aggregate classification (germline): Uncertain significance (1 of 4 stars; one submission).

Conditions:
Myoclonic dystonia 11 (DYT11). Also called: Myoclonic dystonia; Dystonia 11; Dystonia, alcohol responsive; Hereditary essential myoclonus; SGCE Myoclonus-Dystonia; Myoclonus-Dystonia. Identifiers: Orphanet 36899, MedGen C1834570, MONDO:0008044, OMIM 159900.

Allele frequency attached by ClinVar (database versions not stated): gnomAD exomes below 0.00001; ExAC 0.00001.
gnomAD v4.1: 1 of 1,611,316 alleles (0.000062%); highest among the groups gnomAD compares: Non-Finnish European, 0.000085%; no homozygotes.

Submission:

Labcorp Genetics (formerly Invitae), Labcorp
Classification: Uncertain significance for Myoclonic dystonia 11. Last evaluated: 2024-01-29. Review status: criteria provided, single submitter. Criteria: Invitae Variant Classification Sherloc (09022015). Collection method: clinical testing. Allele origin: germline.
Comment: This sequence change replaces phenylalanine, which is neutral and non-polar, with leucine, which is neutral and non-polar, at codon 58 of the SGCE protein (p.Phe58Leu). This variant is present in population databases (rs748106020, gnomAD 0.0009%). This variant has not been reported in the literature in individuals affected with SGCE-related conditions. Advanced modeling of protein sequence and biophysical properties (such as structural, functional, and spatial information, amino acid conservation, physicochemical variation, residue mobility, and thermodynamic stability) performed at Invitae indicates that this missense variant is not expected to disrupt SGCE protein function with a negative predictive value of 80%. In summary, the available evidence is currently insufficient to determine the role of this variant in disease. Therefore, it has been classified as a Variant of Uncertain Significance.

NM_003919.3(SGCE):c.172T>C (p.Phe58Leu)

Genes: CASD1 (CAS1 domain sialic acid O acetyltransferase 1; plus strand), SGCE (sarcoglycan epsilon; minus strand). Cytogenetic location: 7q21.3.
Variant type: single nucleotide variant.
Coding change: c.172T>C on transcript NM_003919.3 (MANE Select); coding-DNA position 172, T replaced by C.
Protein change: p.Phe58Leu; replaces phenylalanine 58 with leucine.
Molecular consequence: missense variant. On other transcripts: 5 prime UTR variant (2), intron variant (2).
Genome position (GRCh38, 1-based): chr7:94,629,779, A>G on the plus strand (T>C on the coding strand, the complement: SGCE is on the minus strand). VCF-style: chr7-94629779-A-G. GRCh37 (hg19) VCF-style: chr7-94259091-A-G.
Other names: c.85T>C, p.Phe29Leu (NM_001362807.2, NM_001346719.2); c.-102T>C (NM_001362808.2, NM_001346720.2); c.110-1420T>C (NM_001362809.2, NM_001301139.2); c.172T>C, p.Phe58Leu (NM_001099400.2, NM_001099401.2, NM_001346717.2); c.280T>C, p.Phe94Leu (NM_001346713.2, NM_001346715.2); short protein forms F58L, F94L, F29L.
Identifiers: ClinVar variation 2818413 (VCV002818413.3), dbSNP rs748106020, ClinGen allele CA4348874.
Genomic context (GRCh38, chr7:94,629,779, plus strand): 5'-CAGGTTTTGGGTAAGGTGGAAATTCCCCCTTAAAATATTCTCTTTCCAAAACATGAACAA[A>G]GAGGACACCTGCTGATGGGTATACATTCCGATCGGAGTGTACCTTGGAGAAAATACTGTA-3'
Protein context (NP_003910.1, residues 48-68): RNVYPSAGVL[Phe58Leu]VHVLEREYFK